The following is an entry in ClinVar:

NM_000255.4(MMUT):c.1342G>T (p.Glu448Ter)

Gene: MMUT (methylmalonyl-CoA mutase; minus strand). Cytogenetic location: 6p12.3.
Variant type: single nucleotide variant.
Coding change: c.1342G>T on transcript NM_000255.4 (MANE Select); coding-DNA position 1342, G replaced by T.
Protein change: p.Glu448Ter; replaces glutamic acid 448 with a stop codon.
Molecular consequence: nonsense.
Genome position (GRCh38, 1-based): chr6:49,448,918, C>A on the plus strand (G>T on the coding strand, the complement: MMUT is on the minus strand). VCF-style: chr6-49448918-C-A. GRCh37 (hg19) VCF-style: chr6-49416631-C-A.
Other names: short protein forms E448*.
Identifiers: ClinVar variation 1409739 (VCV001409739.6), dbSNP rs2127417197, ClinGen allele CA364398343.

ClinVar aggregate classification (germline): Pathogenic (1 of 4 stars; one submission).

Submission:

Labcorp Genetics (formerly Invitae), Labcorp
Classification: Pathogenic. Last evaluated: 2020-11-06. Review status: criteria provided, single submitter. Criteria: Invitae Variant Classification Sherloc (09022015). Collection method: clinical testing. Allele origin: germline.
Comment: This sequence change creates a premature translational stop signal (p.Glu448*) in the MUT gene. It is expected to result in an absent or disrupted protein product. Loss-of-function variants in MUT are known to be pathogenic (PMID: 15781192). This variant is not present in population databases (ExAC no frequency). This variant has not been reported in the literature in individuals with MUT-related conditions. For these reasons, this variant has been classified as Pathogenic.

Literature cited by the submitters: PubMed 15781192.